The following is an entry in ClinVar:

ClinVar aggregate classification (germline): Pathogenic (1 of 4 stars; one submission).

Conditions:
Familial adenomatous polyposis 1 (FAP1). Also called: FAMILIAL ADENOMATOUS POLYPOSIS 1, ATTENUATED; POLYPOSIS, ADENOMATOUS INTESTINAL. Identifiers: MedGen C2713442, MONDO:0021056, OMIM 175100. Disease mechanism: loss of function.

Submission:

Myriad Genetics, Inc.
Classification: Pathogenic for Familial adenomatous polyposis 1. Last evaluated: 2023-05-08. Review status: criteria provided, single submitter. Criteria: Myriad Autosomal Dominant, Autosomal Recessive and X-Linked Classification Criteria (2023). Collection method: clinical testing. Allele origin: unknown.
Comment: This variant is considered pathogenic. This variant creates a frameshift predicted to result in premature protein truncation.

NM_000038.6(APC):c.3206_3213del (p.Arg1069fs)

Gene: APC (APC regulator of Wnt signaling pathway; plus strand). Cytogenetic location: 5q22.2.
Variant type: Deletion.
Coding change: c.3206_3213del on transcript NM_000038.6 (MANE Select); coding-DNA positions 3206 to 3213, 8 bases deleted (GGAATCAA; older notation c.3206_3213delGGAATCAA).
Protein change: p.Arg1069fs; shifts the reading frame from arginine 1069.
Molecular consequence: frameshift variant. On other transcripts: non-coding transcript variant (2).
Genome position (GRCh38, 1-based): chr5:112,838,800-112,838,807, GGAATCAA deleted; deleting any 8 consecutive bases within chr5:112,838,794-112,838,807 gives the same sequence; the c. name uses the placement nearest the transcript's 3' end. VCF-style (leftmost placement, unchanged base first): chr5-112838793-CAATCAAGG-C. GRCh37 (hg19) VCF-style: chr5-112174490-CAATCAAGG-C.
Other names: c.3206_3213del, p.Arg1069fs (NM_001127510.3, NM_001354895.2, NM_001407450.1); c.3152_3159del, p.Arg1051fs (NM_001127511.3); c.3260_3267del, p.Arg1087fs (NM_001354896.2, NM_001407447.1, NM_001407448.1 and 1 more transcripts); c.3236_3243del, p.Arg1079fs (NM_001354897.2); c.3131_3138del, p.Arg1044fs (NM_001354898.2); c.3122_3129del, p.Arg1041fs (NM_001354899.2); c.3083_3090del, p.Arg1028fs (NM_001354900.2); c.3029_3036del, p.Arg1010fs (NM_001354901.2, NM_001407453.1); and 11 more; short protein forms R1051fs, R1059fs, R1062fs, R1069fs, R1079fs, R1087fs, R1097fs, R685fs.
Identifiers: ClinVar variation 2584008 (VCV002584008.1), dbSNP rs2533479247, ClinGen allele CA2582341495.